The following is an entry in ClinVar:

ClinVar aggregate classification (germline): Uncertain significance (1 of 4 stars; one submission).

Allele frequency attached by ClinVar (database versions not stated): gnomAD exomes below 0.00001.

Submission:

GeneDx
Classification: Uncertain significance. Last evaluated: 2022-07-05. Review status: criteria provided, single submitter. Criteria: GeneDx Variant Classification Process June 2021. Collection method: clinical testing. Allele origin: germline. Affected: yes.
Comment: Not observed at significant frequency in large population cohorts (gnomAD); In silico analysis supports that this missense variant does not alter protein structure/function; Has not been previously published as pathogenic or benign to our knowledge

NM_024496.4(IRF2BPL):c.718C>T (p.Pro240Ser)

Gene: IRF2BPL (interferon regulatory factor 2 binding protein like; minus strand). Cytogenetic location: 14q24.3.
Variant type: single nucleotide variant.
Coding change: c.718C>T on transcript NM_024496.4 (MANE Select); coding-DNA position 718, C replaced by T.
Protein change: p.Pro240Ser; replaces proline 240 with serine.
Molecular consequence: missense variant.
Genome position (GRCh38, 1-based): chr14:77,027,075, G>A on the plus strand (C>T on the coding strand, the complement: IRF2BPL is on the minus strand). VCF-style: chr14-77027075-G-A. GRCh37 (hg19) VCF-style: chr14-77493418-G-A.
Other names: short protein forms P240S.
Identifiers: ClinVar variation 1810740 (VCV001810740.1), dbSNP rs2503077562, ClinGen allele CA390498789.